The following is an entry in ClinVar:

NM_003873.7(NRP1):c.1609G>A (p.Ala537Thr)

Gene: NRP1 (neuropilin 1; minus strand). Cytogenetic location: 10p11.22.
Variant type: single nucleotide variant.
Coding change: c.1609G>A on transcript NM_003873.7 (MANE Select); coding-DNA position 1609, G replaced by A.
Protein change: p.Ala537Thr; replaces alanine 537 with threonine.
Molecular consequence: missense variant. On other transcripts: non-coding transcript variant (1).
Genome position (GRCh38, 1-based): chr10:33,213,391, C>T on the plus strand (G>A on the coding strand, the complement: NRP1 is on the minus strand). VCF-style: chr10-33213391-C-T. GRCh37 (hg19) VCF-style: chr10-33502319-C-T.
Other names: c.1609G>A, p.Ala537Thr (NM_001024628.3, NM_001024629.3, NM_001244972.2 and 2 more transcripts); short protein forms A537T.
Identifiers: ClinVar variation 2630628 (VCV002630628.2), dbSNP rs1330019086, ClinGen allele CA376471029.

ClinVar aggregate classification (germline): Uncertain significance (1 of 4 stars; one submission).

Conditions:
NRP1-related disorder. Also called: NRP1-related condition.

Allele frequency attached by ClinVar (database versions not stated): TOPMed below 0.00001.
gnomAD v4.1: 4 of 1,614,096 alleles (0.00025%); highest among the groups gnomAD compares: Admixed American, 0.0067%; no homozygotes.

Submission:

PreventionGenetics, part of Exact Sciences
Classification: Uncertain significance for NRP1-related condition. Last evaluated: 2026-03-21. Review status: criteria provided, single submitter. Criteria: ACMG Guidelines, 2015. Collection method: clinical testing. Allele origin: germline.
Comment: The NRP1 c.1609G>A variant is predicted to result in the amino acid substitution p.Ala537Thr. To our knowledge, this variant has not been reported in the literature. This variant is reported in 0.012% of alleles in individuals of Latino descent in gnomAD. At this time, the clinical significance of this variant is uncertain due to the absence of conclusive functional and genetic evidence.